The following is an entry in ClinVar:

NC_000012.11:g.(?_25378528)_(25398318_?)dup

Gene: KRAS (KRAS proto-oncogene, GTPase; minus strand). Cytogenetic location: 12p12.1.
Variant type: Duplication.
Identifiers: ClinVar variation 3244347 (VCV003244347.1).

ClinVar aggregate classification (germline): Uncertain significance (1 of 4 stars; one submission).

Conditions:
RASopathy. Also called: Noonan spectrum disorder; rasopathies. Identifiers: Orphanet 536391, MedGen C5555857, MONDO:0021060.

Submission:

Labcorp Genetics (formerly Invitae), Labcorp
Classification: Uncertain significance for RASopathy. Last evaluated: 2023-11-24. Review status: criteria provided, single submitter. Criteria: Invitae Variant Classification Sherloc (09022015). Collection method: clinical testing. Allele origin: unknown.
Comment: This variant results in a copy number gain of the genomic region encompassing exon(s) 2-4 of the KRAS gene. This region includes the initiator codon of the gene. This copy number gain extends beyond the assayed region for this gene and therefore may encompass additional genes. As the precise location of this event is unknown, it may be in tandem or it may be located elsewhere in the genome. This variant has not been reported in the literature in individuals affected with KRAS-related conditions. In summary, the available evidence is currently insufficient to determine the role of this variant in disease. Therefore, it has been classified as a Variant of Uncertain Significance.